The following is an entry in ClinVar:

ClinVar aggregate classification (germline): Uncertain significance. Review status: criteria provided, multiple submitters, no conflicts (2 of 4 stars). 2 submissions from 2 submitters: Uncertain significance (2). Last evaluated 2025-06-25.

Conditions:
Multiple cutaneous and mucosal venous malformations (VMCM). Also called: TEK-Related Multiple Cutaneous and Mucosal Venous Malformations (VMCM). Identifiers: Orphanet 2451, MedGen C1838437, MONDO:0010842, OMIM 600195.

gnomAD v4.1: 1 of 1,613,950 alleles (0.000062%); highest among the groups gnomAD compares: Non-Finnish European, 0.000085%; no homozygotes.

Submissions (2):

GeneDx
Classification: Uncertain significance. Last evaluated: 2025-06-25. Review status: criteria provided, single submitter. Criteria: GeneDx Variant Classification Process June 2021. Collection method: clinical testing. Allele origin: germline. Affected: yes.
Comment: Not observed at significant frequency in large population cohorts (gnomAD); In silico analysis suggests that this missense variant does not alter protein structure/function; Has not been previously published as pathogenic or benign to our knowledge

Clinical Genomics Laboratory, Washington University in St. Louis
Classification: Uncertain significance for Multiple cutaneous and mucosal venous malformations. Last evaluated: 2025-05-17. Review status: criteria provided, single submitter. Criteria: ACMG Guidelines, 2015. Collection method: clinical testing. Allele origin: germline.
Comment: A TEK c.1496A>G (p.Asn499Ser) variant was identified at a near heterozygous allelic fraction of 49.4%, a frequency which may be consistent with it being of germline origin. This variant, to our knowledge, has not been reported in the medical literature. It is observed in 1/1,613,950 alleles in the general population (gnomAD v4.1.0), indicating it is not a common variant. Computational predictors suggest that the variant does not impact TIE2 function. Due to limited information and based on ACMG/AMP guidelines for variant interpretation (Richards S et al., PMID: 25741868), the clinical significance of this variant is uncertain at this time.

NM_000459.5(TEK):c.1496A>G (p.Asn499Ser)

Gene: TEK (TEK receptor tyrosine kinase; plus strand). Cytogenetic location: 9p21.2.
Variant type: single nucleotide variant.
Coding change: c.1496A>G on transcript NM_000459.5 (MANE Select); coding-DNA position 1496, A replaced by G.
Protein change: p.Asn499Ser; replaces asparagine 499 with serine.
Molecular consequence: missense variant.
Genome position (GRCh38, 1-based): chr9:27,192,495, A>G. VCF-style: chr9-27192495-A-G. GRCh37 (hg19) VCF-style: chr9-27192493-A-G.
Other names: c.1367A>G, p.Asn456Ser (NM_001290077.2, NM_001375476.1); c.1055A>G, p.Asn352Ser (NM_001290078.2); c.1496A>G, p.Asn499Ser (NM_001375475.1); c.1496A>G (NM_000459.3); short protein forms N352S, N456S, N499S.
Identifiers: ClinVar variation 4279794 (VCV004279794.2).